The following is an entry in ClinVar:

NM_003070.5(SMARCA2):c.2736G>T (p.Trp912Cys)

Gene: SMARCA2 (SWI/SNF related BAF chromatin remodeling complex subunit ATPase 2; plus strand). Cytogenetic location: 9p24.3.
Variant type: single nucleotide variant.
Coding change: c.2736G>T on transcript NM_003070.5 (MANE Select); coding-DNA position 2736, G replaced by T.
Protein change: p.Trp912Cys; replaces tryptophan 912 with cysteine.
Molecular consequence: missense variant. On other transcripts: intron variant (1).
Genome position (GRCh38, 1-based): chr9:2,087,038, G>T. VCF-style: chr9-2087038-G-T. GRCh37 (hg19) VCF-style: chr9-2087038-G-T.
Other names: c.2736G>T, p.Trp912Cys (NM_001289396.2, NM_139045.4); c.2595+141G>T (NM_001289397.2); short protein forms W912C.
Identifiers: ClinVar variation 2775434 (VCV002775434.1), dbSNP rs2537344600, ClinGen allele CA372785267.

ClinVar aggregate classification (germline): Likely pathogenic (1 of 4 stars; one submission).

Conditions:
Nicolaides-Baraitser syndrome (NCBRS). Also called: SMARCA2-Related Nicolaides-Baraitser Syndrome; Intellectual disability-sparse hair-brachydactyly syndrome. Identifiers: Orphanet 3051, MedGen C1303073, MONDO:0011053, OMIM 601358.

Submission:

Institute of Immunology and Genetics Kaiserslautern
Classification: Likely pathogenic for Nicolaides-Baraitser syndrome. Last evaluated: 2024-02-02. Review status: criteria provided, single submitter. Criteria: ACMG Guidelines, 2015. Collection method: clinical testing. Allele origin: de novo. Affected: yes.
Comment: ACMG Criteria: PM2, PP3, PM1, PS2; Variant was found in heterozygous state